The following is an entry in ClinVar:

ClinVar aggregate classification (germline): Conflicting classifications of pathogenicity. Review status: criteria provided, conflicting classifications (1 of 4 stars). 4 submissions from 4 submitters: Pathogenic (2); Uncertain significance (1). 1 of the submissions does not count toward it. Last evaluated 2025-12-15.

Conditions:
PRPH2-related disorder. Also called: PRPH2-related condition; PRPH2-related disorders. Identifiers: MedGen CN239395.

gnomAD v4.1: 1 of 1,614,184 alleles (0.000062%); highest among the groups gnomAD compares: Non-Finnish European, 0.000085%; no homozygotes.

Submissions (4):

Labcorp Genetics (formerly Invitae), Labcorp
Classification: Pathogenic for PRPH2-related disorder. Last evaluated: 2025-12-15. Review status: criteria provided, single submitter. Criteria: Invitae Variant Classification Sherloc (09022015). Collection method: clinical testing. Allele origin: germline.
Comment: This sequence change replaces lysine, which is basic and polar, with glutamic acid, which is acidic and polar, at codon 153 of the PRPH2 protein (p.Lys153Glu). This variant is not present in population databases (gnomAD no frequency). This missense change has been observed in individuals with autosomal dominant PRPH2-related conditions (PMID: 25910913, 31963381; internal data). ClinVar contains an entry for this variant (Variation ID: 1175280). Invitae Evidence Modeling of protein sequence and biophysical properties (such as structural, functional, and spatial information, amino acid conservation, physicochemical variation, residue mobility, and thermodynamic stability) indicates that this missense variant is expected to disrupt PRPH2 protein function with a positive predictive value of 95%. This variant disrupts the p.Lys153 amino acid residue in PRPH2. Other variant(s) that disrupt this residue have been determined to be pathogenic (PMID: 8994365, 19038374; internal data). This suggests that this residue is clinically significant, and that variants that disrupt this residue are likely to be disease-causing. For these reasons, this variant has been classified as Pathogenic.

Blueprint Genetics
Classification: Pathogenic for PRPH2-related disorders. Last evaluated: 2022-05-16. Review status: criteria provided, single submitter. Criteria: ACMG Guidelines, 2015. Collection method: clinical testing. Allele origin: germline. Affected: yes. Observed: 5 variant alleles.

GeneDx
Classification: Uncertain significance. Last evaluated: 2019-05-28. Review status: criteria provided, single submitter. Criteria: GeneDx Variant Classification Process June 2021. Collection method: clinical testing. Allele origin: germline. Affected: yes.
Comment: Not observed in large population cohorts (Lek et al., 2016); In silico analysis, which includes protein predictors and evolutionary conservation, supports a deleterious effect; This variant is associated with the following publications: (PMID: 25910913)

Leiden Open Variation Database
Classification: Likely pathogenic. Last evaluated: 2021-04-06. Review status: no assertion criteria provided. Collection method: curation. Allele origin: germline. Affected: yes. Not counted in ClinVar's aggregate classification.
Comment: Curator: Global Variome, with Curator vacancy. Submitter to LOVD: Manon Peeters.

Literature cited by the submitters: PubMed 25910913 (cited by Labcorp Genetics (formerly Invitae), Labcorp and Leiden Open Variation Database); PubMed 31963381 (cited by Labcorp Genetics (formerly Invitae), Labcorp); PubMed 8994365 (cited by Labcorp Genetics (formerly Invitae), Labcorp); PubMed 19038374 (cited by Labcorp Genetics (formerly Invitae), Labcorp).

NM_000322.5(PRPH2):c.457A>G (p.Lys153Glu)

Gene: PRPH2 (peripherin 2; minus strand). Cytogenetic location: 6p21.1.
Variant type: single nucleotide variant.
Coding change: c.457A>G on transcript NM_000322.5 (MANE Select); coding-DNA position 457, A replaced by G.
Protein change: p.Lys153Glu; replaces lysine 153 with glutamic acid.
Molecular consequence: missense variant.
Genome position (GRCh38, 1-based): chr6:42,721,878, T>C on the plus strand (A>G on the coding strand, the complement: PRPH2 is on the minus strand). VCF-style: chr6-42721878-T-C. GRCh37 (hg19) VCF-style: chr6-42689616-T-C.
Other names: short protein forms K153E.
Identifiers: ClinVar variation 1175280 (VCV001175280.10), dbSNP rs2152010930, ClinGen allele CA16609676.